The following is an entry in ClinVar:

ClinVar aggregate classification (germline): Benign. Review status: criteria provided, multiple submitters, no conflicts (2 of 4 stars). 4 submissions from 4 submitters: Benign (3). 1 of the submissions does not count toward it. Last evaluated 2024-11-28.

Conditions:
SPTBN4-related disorder. Also called: SPTBN4-related condition.
Neurodevelopmental disorder with hypotonia, neuropathy, and deafness (NEDHND). Also called: Myopathy, congenital, with neuropathy and deafness; SPTBN4 Disorder. Identifiers: MedGen C4479603, MONDO:0060496, OMIM 617519.

Allele frequency attached by ClinVar (database versions not stated): ESP Exome Variant Server 0.10270; gnomAD exomes 0.11585 and 0.12404; ExAC 0.17625; gnomAD 0.20650 and 0.21153; TOPMed 0.21648; 1000 Genomes Project 0.22165; 1000 Genomes Project 30x 0.22954.
gnomAD v4.1: 189,900 of 1,424,256 alleles (13%); highest among the groups gnomAD compares: African/African-American, 43%; 16,119 homozygotes.

Submissions (4):

Blueprint Genetics
Classification: Benign. Last evaluated: 2024-11-28. Review status: criteria provided, single submitter. Criteria: ACMG Guidelines, 2015. Collection method: clinical testing. Allele origin: germline.

Genome-Nilou Lab
Classification: Benign for Neurodevelopmental disorder with hypotonia, neuropathy, and deafness. Last evaluated: 2021-07-15. Review status: criteria provided, single submitter. Criteria: ACMG Guidelines, 2015. Collection method: clinical testing. Allele origin: germline. Affected: no.

Breakthrough Genomics
Classification: Benign. Review status: criteria provided, single submitter. Criteria: ACMG Guidelines, 2015. Collection method: not provided. Allele origin: germline. Inheritance: Autosomal recessive inheritance. Affected: yes.

PreventionGenetics, part of Exact Sciences
Classification: Benign for SPTBN4-related condition. Last evaluated: 2019-10-28. Review status: no assertion criteria provided. Collection method: clinical testing. Allele origin: germline. Not counted in ClinVar's aggregate classification.
Comment: This variant is classified as benign based on ACMG/AMP sequence variant interpretation guidelines (Richards et al. 2015 PMID: 25741868, with internal and published modifications).

NM_020971.3(SPTBN4):c.2136A>G (p.Arg712=)

Gene: SPTBN4 (spectrin beta, non-erythrocytic 4; plus strand). Cytogenetic location: 19q13.2.
Variant type: single nucleotide variant.
Coding change: c.2136A>G on transcript NM_020971.3 (MANE Select); coding-DNA position 2136, A replaced by G.
Protein change: p.Arg712=; no amino-acid change (arginine 712 retained).
Molecular consequence: synonymous variant.
Genome position (GRCh38, 1-based): chr19:40,512,925, A>G. VCF-style: chr19-40512925-A-G. GRCh37 (hg19) VCF-style: chr19-41018832-A-G.
Other names: c.2136A>G (NM_020971.2).
Identifiers: ClinVar variation 1333118 (VCV001333118.6), dbSNP rs814533, ClinGen allele CA9445824.